The following is an entry in ClinVar:

ClinVar aggregate classification (germline): Uncertain significance (1 of 4 stars; one submission).

Conditions:
Inborn genetic diseases. Identifiers: MedGen C0950123, MeSH D030342.

gnomAD v4.1: 2 of 1,613,856 alleles (0.00012%); highest among the groups gnomAD compares: Non-Finnish European, 0.00017%; no homozygotes.

Submission:

Ambry Genetics
Classification: Uncertain significance for Inborn genetic diseases. Last evaluated: 2023-09-04. Review status: criteria provided, single submitter. Criteria: Ambry Variant Classification Scheme 2023. Collection method: clinical testing. Allele origin: germline.
Comment: The p.P445S variant (also known as c.1333C>T), located in coding exon 5 of the ATR gene, results from a C to T substitution at nucleotide position 1333. The proline at codon 445 is replaced by serine, an amino acid with similar properties. This amino acid position is conserved. In addition, this alteration is predicted to be tolerated by in silico analysis. Since supporting evidence is limited at this time, the clinical significance of this alteration remains unclear.

NM_001184.4(ATR):c.1333C>T (p.Pro445Ser)

Gene: ATR (ATR checkpoint kinase; minus strand). Cytogenetic location: 3q23.
Variant type: single nucleotide variant.
Coding change: c.1333C>T on transcript NM_001184.4 (MANE Select); coding-DNA position 1333, C replaced by T.
Protein change: p.Pro445Ser; replaces proline 445 with serine.
Molecular consequence: missense variant.
Genome position (GRCh38, 1-based): chr3:142,561,259, G>A on the plus strand (C>T on the coding strand, the complement: ATR is on the minus strand). VCF-style: chr3-142561259-G-A. GRCh37 (hg19) VCF-style: chr3-142280101-G-A.
Other names: c.1333C>T, p.Pro445Ser (NM_001354579.2); short protein forms P445S.
Identifiers: ClinVar variation 2587588 (VCV002587588.2), dbSNP rs2473421058, ClinGen allele CA354823148.